The following is an entry in ClinVar:

ClinVar aggregate classification (germline): Conflicting classifications of pathogenicity. Review status: criteria provided, conflicting classifications (1 of 4 stars). 2 submissions from 2 submitters: Uncertain significance (1); Likely benign (1). Last evaluated 2025-10-14.

Conditions:
Inborn genetic diseases. Identifiers: MedGen C0950123, MeSH D030342.

gnomAD v4.1: 6 of 1,614,036 alleles (0.00037%); highest among the groups gnomAD compares: Admixed American, 0.005%; no homozygotes.

Submissions (2):

Ambry Genetics
Classification: Likely benign for Inborn genetic diseases. Last evaluated: 2025-10-14. Review status: criteria provided, single submitter. Criteria: Ambry Variant Classification Scheme 2023. Collection method: clinical testing. Allele origin: germline.

Labcorp Genetics (formerly Invitae), Labcorp
Classification: Uncertain significance. Last evaluated: 2025-04-22. Review status: criteria provided, single submitter. Criteria: Invitae Variant Classification Sherloc (09022015). Collection method: clinical testing. Allele origin: germline.
Comment: This sequence change replaces glutamine, which is neutral and polar, with arginine, which is basic and polar, at codon 3245 of the MACF1 protein (p.Gln3245Arg). This variant is present in population databases (no rsID available, gnomAD 0.006%). This variant has not been reported in the literature in individuals affected with MACF1-related conditions. An algorithm developed to predict the effect of missense changes on protein structure and function (PolyPhen-2) suggests that this variant is likely to be disruptive. In summary, the available evidence is currently insufficient to determine the role of this variant in disease. Therefore, it has been classified as a Variant of Uncertain Significance.

NM_001394062.1(MACF1):c.15920A>G (p.Gln5307Arg)

Gene: MACF1 (microtubule actin crosslinking factor 1; plus strand). Cytogenetic location: 1p34.3.
Variant type: single nucleotide variant.
Coding change: c.15920A>G on transcript NM_001394062.1 (MANE Select); coding-DNA position 15920, A replaced by G.
Protein change: p.Gln5307Arg; replaces glutamine 5307 with arginine.
Molecular consequence: missense variant.
Genome position (GRCh38, 1-based): chr1:39,422,477, A>G. VCF-style: chr1-39422477-A-G. GRCh37 (hg19) VCF-style: chr1-39888149-A-G.
Other names: c.4316A>G, p.Gln1439Arg (NM_001397473.1); c.9734A>G, p.Gln3245Arg (NM_012090.5); short protein forms Q1439R, Q3245R, Q5307R.
Identifiers: ClinVar variation 4624105 (VCV004624105.2).
Genomic context (GRCh38, chr1:39,422,477, plus strand): 5'-AGCAGGTGAATGGACTTGGCCAGGGATTAATTCAGAGTGCAGGAAAAGACTGTGATGTAC[A>G]GGGTTTAGAACATGACATGGAAGAGATCAATGCTCGATGGAATACATTGAATAAAAAGGT-3'
Protein context (NP_001380991.1, residues 5297-5317): IQSAGKDCDV[Gln5307Arg]GLEHDMEEIN